The following is an entry in ClinVar:

NM_017827.4(SARS2):c.531C>T (p.Asp177=)

Gene: SARS2 (seryl-tRNA synthetase 2, mitochondrial; minus strand). Cytogenetic location: 19q13.2.
Variant type: single nucleotide variant.
Coding change: c.531C>T on transcript NM_017827.4 (MANE Select); coding-DNA position 531, C replaced by T.
Protein change: p.Asp177=; no amino-acid change (aspartic acid 177 retained).
Molecular consequence: synonymous variant.
Genome position (GRCh38, 1-based): chr19:38,921,530, G>A on the plus strand (C>T on the coding strand, the complement: SARS2 is on the minus strand). VCF-style: chr19-38921530-G-A. GRCh37 (hg19) VCF-style: chr19-39412170-G-A.
Other names: p.D177D:GAC>GAT; p.Asp179=; c.537C>T, p.Asp179= (NM_001145901.2).
Identifiers: ClinVar variation 138962 (VCV000138962.22), dbSNP rs116583253, ClinGen allele CA293138.

ClinVar aggregate classification (germline): Benign/Likely benign. Review status: criteria provided, multiple submitters, no conflicts (2 of 4 stars). 5 submissions from 5 submitters: Benign (2); Likely benign (2). 1 of the submissions does not count toward it. Last evaluated 2026-04-01.

Conditions:
SARS2-related disorder. Also called: SARS2-related condition.

Allele frequency attached by ClinVar (database versions not stated): gnomAD exomes 0.00044 and 0.00098; ExAC 0.00120; 1000 Genomes Project 0.00300; gnomAD 0.00384 and 0.00416; ESP Exome Variant Server 0.00408; 1000 Genomes Project 30x 0.00453; TOPMed 0.00453.

Submissions (5):

CeGaT Center for Human Genetics Tuebingen
Classification: Likely benign. Last evaluated: 2026-04-01. Review status: criteria provided, single submitter. Criteria: CeGaT Center For Human Genetics Tuebingen Variant Classification Criteria Version 2. Collection method: clinical testing. Allele origin: germline. Affected: yes. Observed: 3 variant alleles.
Comment: SARS2: BP4, BP7, BS1

Labcorp Genetics (formerly Invitae), Labcorp
Classification: Benign. Last evaluated: 2026-01-28. Review status: criteria provided, single submitter. Criteria: Invitae Variant Classification Sherloc (09022015). Collection method: clinical testing. Allele origin: germline.

Mayo Clinic Laboratories, Mayo Clinic
Classification: Likely benign. Last evaluated: 2025-10-15. Review status: criteria provided, single submitter. Criteria: ACMG Guidelines, 2015. Collection method: clinical testing. Allele origin: germline. Observed: 6 variant alleles.
Comment: BS1, BP4, BP7

GeneDx
Classification: Benign. Last evaluated: 2012-11-28. Review status: criteria provided, single submitter. Criteria: GeneDx Variant Classification (06012015). Collection method: clinical testing. Allele origin: germline. Affected: yes.
Comment: This variant is considered likely benign or benign based on one or more of the following criteria: it is a conservative change, it occurs at a poorly conserved position in the protein, it is predicted to be benign by multiple in silico algorithms, and/or has population frequency not consistent with disease.

PreventionGenetics, part of Exact Sciences
Classification: Benign for SARS2-related condition. Last evaluated: 2023-12-06. Review status: no assertion criteria provided. Collection method: clinical testing. Allele origin: germline. Not counted in ClinVar's aggregate classification.
Comment: This variant is classified as benign based on ACMG/AMP sequence variant interpretation guidelines (Richards et al. 2015 PMID: 25741868, with internal and published modifications).